The following is an entry in ClinVar:

ClinVar aggregate classification (germline): Pathogenic (1 of 4 stars; one submission).

Conditions:
Autosomal recessive primary microcephaly. Identifiers: Orphanet 2512, MedGen C3711387, MONDO:0016660.

Submission:

Women's Health and Genetics/Laboratory Corporation of America, LabCorp
Classification: Pathogenic for Autosomal recessive primary microcephaly. Last evaluated: 2024-10-29. Review status: criteria provided, single submitter. Criteria: LabCorp Variant Classification Summary - May 2015. Collection method: clinical testing. Allele origin: germline.
Comment: Variant summary: ASPM c.6107_6110delTGAG (p.Val2036GlufsX4) results in a premature termination codon, predicted to cause a truncation of the encoded protein or absence of the protein due to nonsense mediated decay, which are commonly known mechanisms for disease. The variant was absent in 249562 control chromosomes. To our knowledge, no occurrence of c.6107_6110delTGAG in individuals affected with Primary microcephaly and no experimental evidence demonstrating its impact on protein function have been reported. No submitters have cited clinical-significance assessments for this variant to ClinVar. Based on the evidence outlined above, the variant was classified as pathogenic.

NM_018136.5(ASPM):c.6107_6110del (p.Val2036fs)

Gene: ASPM (assembly factor for spindle microtubules; minus strand). Cytogenetic location: 1q31.3.
Variant type: Deletion.
Coding change: c.6107_6110del on transcript NM_018136.5 (MANE Select); coding-DNA positions 6107 to 6110, 4 bases deleted (TGAG; older notation c.6107_6110delTGAG).
Protein change: p.Val2036fs; shifts the reading frame from valine 2036.
Molecular consequence: frameshift variant. On other transcripts: intron variant (1).
Genome position (GRCh38, 1-based): chr1:197,103,141-197,103,144, CTCA deleted on the plus strand (TGAG on the coding strand, the reverse complement: ASPM is on the minus strand); deleting any 4 consecutive bases within chr1:197,103,141-197,103,146 gives the same sequence; the c. name uses the placement nearest the transcript's 3' end. VCF-style (leftmost placement, unchanged base first): chr1-197103140-TCTCA-T. GRCh37 (hg19) VCF-style: chr1-197072270-TCTCA-T.
Other names: c.4066-6980_4066-6977del (NM_001206846.2); c.6107_6110delTGAG (NM_018136.5); short protein forms V2036fs.
Identifiers: ClinVar variation 3384969 (VCV003384969.1).